The following is an entry in ClinVar:

NM_001734.5(C1S):c.804_805dup (p.Asp269fs)

Gene: C1S (complement C1s; plus strand). Cytogenetic location: 12p13.31.
Variant type: Duplication.
Coding change: c.804_805dup on transcript NM_001734.5 (MANE Select); coding-DNA positions 804 to 805, 2 bases duplicated (TG; older notation c.804_805dupTG).
Protein change: p.Asp269fs; shifts the reading frame from aspartic acid 269.
Molecular consequence: frameshift variant.
Genome position (GRCh38, 1-based): chr12:7,065,903-7,065,904, TG duplicated. VCF-style (leftmost placement, unchanged base first): chr12-7065902-T-TTG. GRCh37 (hg19) VCF-style: chr12-7173206-T-TTG.
Other names: c.303_304dup, p.Asp102fs (NM_001346850.2); c.804_805dup, p.Asp269fs (NM_201442.4); short protein forms D102fs, D269fs.
Identifiers: ClinVar variation 1966220 (VCV001966220.5), dbSNP rs782613115, ClinGen allele CA6423583.

ClinVar aggregate classification (germline): Pathogenic (1 of 4 stars; one submission).

Allele frequency attached by ClinVar (database versions not stated): gnomAD exomes below 0.00001; TOPMed below 0.00001; ExAC 0.00001; gnomAD 0.00001.

Submission:

Labcorp Genetics (formerly Invitae), Labcorp
Classification: Pathogenic. Last evaluated: 2023-06-13. Review status: criteria provided, single submitter. Criteria: Invitae Variant Classification Sherloc (09022015). Collection method: clinical testing. Allele origin: germline.
Comment: For these reasons, this variant has been classified as Pathogenic. ClinVar contains an entry for this variant (Variation ID: 1966220). This variant has not been reported in the literature in individuals affected with C1S-related conditions. This variant is present in population databases (rs782613115, gnomAD 0.0009%). This sequence change creates a premature translational stop signal (p.Asp269Valfs*9) in the C1S gene. It is expected to result in an absent or disrupted protein product. Loss-of-function variants in C1S are known to be pathogenic (PMID: 18062908).

Literature cited by the submitters: PubMed 18062908.